The following is an entry in ClinVar:

ClinVar aggregate classification (germline): Uncertain significance (1 of 4 stars; one submission).

Submission:

GeneDx
Classification: Uncertain significance. Last evaluated: 2025-07-02. Review status: criteria provided, single submitter. Criteria: GeneDx Variant Classification Process June 2021. Collection method: clinical testing. Allele origin: germline. Affected: yes.
Comment: Not observed at significant frequency in large population cohorts (gnomAD); In silico analysis supports that this missense variant has a deleterious effect on protein structure/function; Has not been previously published as pathogenic or benign to our knowledge

NM_004465.2(FGF10):c.355G>C (p.Gly119Arg)

Gene: FGF10 (fibroblast growth factor 10; minus strand). Cytogenetic location: 5p12.
Variant type: single nucleotide variant.
Coding change: c.355G>C on transcript NM_004465.2 (MANE Select); coding-DNA position 355, G replaced by C.
Protein change: p.Gly119Arg; replaces glycine 119 with arginine.
Molecular consequence: missense variant.
Genome position (GRCh38, 1-based): chr5:44,310,501, C>G on the plus strand (G>C on the coding strand, the complement: FGF10 is on the minus strand). VCF-style: chr5-44310501-C-G. GRCh37 (hg19) VCF-style: chr5-44310603-C-G.
Other names: short protein forms G119R.
Identifiers: ClinVar variation 4680930 (VCV004680930.1).